The following is an entry in ClinVar:

NM_020699.4(GATAD2B):c.1446G>T (p.Gln482His)

Gene: GATAD2B (GATA zinc finger domain containing 2B; minus strand). Cytogenetic location: 1q21.3.
Variant type: single nucleotide variant.
Coding change: c.1446G>T on transcript NM_020699.4 (MANE Select); coding-DNA position 1446, G replaced by T.
Protein change: p.Gln482His; replaces glutamine 482 with histidine.
Molecular consequence: missense variant.
Genome position (GRCh38, 1-based): chr1:153,812,106, C>A on the plus strand (G>T on the coding strand, the complement: GATAD2B is on the minus strand). VCF-style: chr1-153812106-C-A. GRCh37 (hg19) VCF-style: chr1-153784582-C-A.
Other names: short protein forms Q482H.
Identifiers: ClinVar variation 931138 (VCV000931138.3), dbSNP rs1674312870, ClinGen allele CA342581335.

ClinVar aggregate classification (germline): Likely pathogenic (1 of 4 stars; one submission).

Conditions:
Severe intellectual disability-poor language-strabismus-grimacing face-long fingers syndrome (GAND). Also called: GAND SYNDROME. Identifiers: Orphanet 363686, MedGen C3554448, MONDO:0014034, OMIM 615074.

Submission:

Centre for Mendelian Genomics, University Medical Centre Ljubljana
Classification: Likely pathogenic for Severe intellectual disability-poor language-strabismus-grimacing face-long fingers syndrome. Last evaluated: 2019-07-01. Review status: criteria provided, single submitter. Criteria: ACMG Guidelines, 2015. Collection method: clinical testing. Allele origin: unknown. Affected: yes.
Comment: This variant was classified as: Likely pathogenic. The following ACMG criteria were applied in classifying this variant: PS2,PM2,PP3.